The following is an entry in ClinVar:

ClinVar aggregate classification (germline): Pathogenic (1 of 4 stars; one submission).

Submission:

Labcorp Genetics (formerly Invitae), Labcorp
Classification: Pathogenic. Last evaluated: 2024-06-28. Review status: criteria provided, single submitter. Criteria: Invitae Variant Classification Sherloc (09022015). Collection method: clinical testing. Allele origin: germline.
Comment: This sequence change creates a premature translational stop signal (p.Ser165Profs*19) in the UGT1A1 gene. It is expected to result in an absent or disrupted protein product. Loss-of-function variants in UGT1A1 are known to be pathogenic (PMID: 23290513). This variant is not present in population databases (gnomAD no frequency). This premature translational stop signal has been observed in individual(s) with Gilbert syndrome (PMID: 16269258). For these reasons, this variant has been classified as Pathogenic.

Literature cited by the submitters: PubMed 23290513; PubMed 16269258.

NM_000463.3(UGT1A1):c.488_491dup (p.Ser165fs)

Genes: UGT1A (UDP glucuronosyltransferase family 1 member A complex locus; plus strand), UGT1A1 (UDP glucuronosyltransferase family 1 member A1; plus strand), UGT1A10 (UDP glucuronosyltransferase family 1 member A10; plus strand), UGT1A3 (UDP glucuronosyltransferase family 1 member A3; plus strand), UGT1A4 (UDP glucuronosyltransferase family 1 member A4; plus strand) and 5 more. Cytogenetic location: 2q37.1.
Variant type: Duplication.
Coding change: c.488_491dup on transcript NM_000463.3 (MANE Select); coding-DNA positions 488 to 491, 4 bases duplicated (ACCT; older notation c.488_491dupACCT).
Protein change: p.Ser165fs; shifts the reading frame from serine 165.
Molecular consequence: frameshift variant. On other transcripts: intron variant (9).
Genome position (GRCh38, 1-based): chr2:233,760,775-233,760,778, ACCT duplicated; duplicating any 4 consecutive bases within chr2:233,760,774-233,760,778 gives the same sequence; the c. name uses the placement nearest the transcript's 3' end. VCF-style (leftmost placement, unchanged base first): chr2-233760773-G-GTACC. GRCh37 (hg19) VCF-style: chr2-234669419-G-GTACC.
Other names: c.856-6259_856-6256dup (NM_019076.5, NM_019075.4, NM_021027.3 and 1 more transcripts); c.61-6259_61-6256dup (NM_205862.3); c.862-6259_862-6256dup (NM_001072.4); c.868-6259_868-6256dup (NM_019078.2, NM_007120.3, NM_019093.4); short protein forms S165fs.
Identifiers: ClinVar variation 3720423 (VCV003720423.2).
Genomic context (GRCh38, chr2:233,760,773, plus strand): 5'-AAGCAGCTTTGATGTCATGCTGACGGACCCTTTCCTTCCTTGCAGCCCCATCGTGGCCCA[G>GTACC]TACCTGTCTCTGCCCACTGTATTCTTCTTGCATGCACTGCCATGCAGCCTGGAATTTGAG-3'